The following is an entry in ClinVar:

ClinVar aggregate classification (germline): Likely benign. Review status: criteria provided, multiple submitters, no conflicts (2 of 4 stars). 3 submissions from 3 submitters: Likely benign (3). Last evaluated 2025-12-28.

Conditions:
ALPK3-related disorder. Also called: ALPK3-related condition.
Cardiovascular phenotype. Identifiers: MedGen CN230736.

Allele frequency attached by ClinVar (database versions not stated): ExAC 0.00002; gnomAD 0.00002; gnomAD exomes 0.00003; TOPMed 0.00003.
gnomAD v4.1: 44 of 1,611,558 alleles (0.0027%); highest among the groups gnomAD compares: Non-Finnish European, 0.0036%; no homozygotes.

Submissions (3):

PreventionGenetics, part of Exact Sciences
Classification: Likely benign for ALPK3-related condition. Last evaluated: 2025-12-28. Review status: criteria provided, single submitter. Criteria: ACMG Guidelines, 2015. Collection method: clinical testing. Allele origin: germline.
Comment: This variant is classified as likely benign based on ACMG/AMP sequence variant interpretation guidelines (Richards et al. 2015 PMID: 25741868, with internal and published modifications).

Labcorp Genetics (formerly Invitae), Labcorp
Classification: Likely benign. Last evaluated: 2025-06-14. Review status: criteria provided, single submitter. Criteria: Invitae Variant Classification Sherloc (09022015). Collection method: clinical testing. Allele origin: germline.

Ambry Genetics
Classification: Likely benign for Cardiovascular phenotype. Last evaluated: 2019-11-18. Review status: criteria provided, single submitter. Criteria: Ambry Variant Classification Scheme 2023. Collection method: clinical testing. Allele origin: germline.

NM_020778.5(ALPK3):c.5082C>G (p.Thr1694=)

Gene: ALPK3 (alpha kinase 3; plus strand). Cytogenetic location: 15q25.3.
Variant type: single nucleotide variant.
Coding change: c.5082C>G on transcript NM_020778.5 (MANE Select); coding-DNA position 5082, C replaced by G.
Protein change: p.Thr1694=; no amino-acid change (threonine 1694 retained).
Molecular consequence: synonymous variant.
Genome position (GRCh38, 1-based): chr15:84,868,420, C>G. VCF-style: chr15-84868420-C-G. GRCh37 (hg19) VCF-style: chr15-85411651-C-G.
Identifiers: ClinVar variation 1749056 (VCV001749056.8), dbSNP rs771656782, ClinGen allele CA7710155.